The following is an entry in ClinVar:

ClinVar aggregate classification (germline): Uncertain significance (1 of 4 stars; one submission).

Conditions:
Aicardi-Goutieres syndrome 4. Identifiers: Orphanet 51, MedGen C1835912, MONDO:0012472, OMIM 610333.

Allele frequency attached by ClinVar (database versions not stated): gnomAD exomes below 0.00001; gnomAD 0.00001; TOPMed 0.00001.
gnomAD v4.1: 3 of 1,613,924 alleles (0.00019%); highest among the groups gnomAD compares: Non-Finnish European, 0.00025%; no homozygotes.

Submission:

Labcorp Genetics (formerly Invitae), Labcorp
Classification: Uncertain significance for Aicardi-Goutieres syndrome 4. Last evaluated: 2021-08-24. Review status: criteria provided, single submitter. Criteria: Invitae Variant Classification Sherloc (09022015). Collection method: clinical testing. Allele origin: germline.
Comment: This sequence change replaces threonine with isoleucine at codon 243 of the RNASEH2A protein (p.Thr243Ile). The threonine residue is moderately conserved and there is a moderate physicochemical difference between threonine and isoleucine. This variant is not present in population databases (ExAC no frequency). This variant has not been reported in the literature in individuals affected with RNASEH2A-related conditions. Algorithms developed to predict the effect of missense changes on protein structure and function are either unavailable or do not agree on the potential impact of this missense change (SIFT: "Deleterious"; PolyPhen-2: "Benign"; Align-GVGD: "Class C0"). In summary, the available evidence is currently insufficient to determine the role of this variant in disease. Therefore, it has been classified as a Variant of Uncertain Significance.

NM_006397.3(RNASEH2A):c.728C>T (p.Thr243Ile)

Gene: RNASEH2A (ribonuclease H2 subunit A; plus strand). Cytogenetic location: 19p13.13.
Variant type: single nucleotide variant.
Coding change: c.728C>T on transcript NM_006397.3 (MANE Select); coding-DNA position 728, C replaced by T.
Protein change: p.Thr243Ile; replaces threonine 243 with isoleucine.
Molecular consequence: missense variant.
Genome position (GRCh38, 1-based): chr19:12,813,173, C>T. VCF-style: chr19-12813173-C-T. GRCh37 (hg19) VCF-style: chr19-12923987-C-T.
Other names: short protein forms T243I.
Identifiers: ClinVar variation 1356640 (VCV001356640.5), dbSNP rs1969098175, ClinGen allele CA404269360.